The following is an entry in ClinVar:

ClinVar aggregate classification (germline): Uncertain significance (1 of 4 stars; one submission).

Conditions:
Charcot-Marie-Tooth disease type 2E (CMT2E). Also called: CHARCOT-MARIE-TOOTH DISEASE, AXONAL, TYPE 2E; CHARCOT-MARIE-TOOTH NEUROPATHY, TYPE 2E. Identifiers: Orphanet 99939, MedGen C1843225, MONDO:0011894, OMIM 607684.

Allele frequency attached by ClinVar (database versions not stated): gnomAD 0.00001.
gnomAD v4.1: 4 of 1,603,914 alleles (0.00025%); highest among the groups gnomAD compares: African/African-American, 0.0013%; no homozygotes.

Submission:

Labcorp Genetics (formerly Invitae), Labcorp
Classification: Uncertain significance for Charcot-Marie-Tooth disease type 2E. Last evaluated: 2020-05-26. Review status: criteria provided, single submitter. Criteria: Invitae Variant Classification Sherloc (09022015). Collection method: clinical testing. Allele origin: germline.
Comment: This sequence change replaces glutamic acid with lysine at codon 163 of the NEFL protein (p.Glu163Lys). The glutamic acid residue is highly conserved and there is a small physicochemical difference between glutamic acid and lysine. This variant is not present in population databases (ExAC no frequency). This variant has not been reported in the literature in individuals with NEFL-related conditions. Experimental studies and prediction algorithms are not available or were not evaluated, and the functional significance of this variant is currently unknown. In summary, the available evidence is currently insufficient to determine the role of this variant in disease. Therefore, it has been classified as a Variant of Uncertain Significance.

NM_006158.5(NEFL):c.487G>A (p.Glu163Lys)

Gene: NEFL (neurofilament light chain; minus strand). Cytogenetic location: 8p21.2.
Variant type: single nucleotide variant.
Coding change: c.487G>A on transcript NM_006158.5 (MANE Select); coding-DNA position 487, G replaced by A.
Protein change: p.Glu163Lys; replaces glutamic acid 163 with lysine.
Molecular consequence: missense variant.
Genome position (GRCh38, 1-based): chr8:24,956,029, C>T on the plus strand (G>A on the coding strand, the complement: NEFL is on the minus strand). VCF-style: chr8-24956029-C-T. GRCh37 (hg19) VCF-style: chr8-24813543-C-T.
Other names: short protein forms E163K.
Identifiers: ClinVar variation 1020136 (VCV001020136.3), dbSNP rs876661155, ClinGen allele CA370622277.